The following is an entry in ClinVar:

NM_005033.3(EXOSC9):c.1096A>G (p.Ile366Val)

Gene: EXOSC9 (exosome component 9; plus strand). Cytogenetic location: 4q27.
Variant type: single nucleotide variant.
Coding change: c.1096A>G on transcript NM_005033.3 (MANE Select); coding-DNA position 1096, A replaced by G.
Protein change: p.Ile366Val; replaces isoleucine 366 with valine.
Molecular consequence: missense variant.
Genome position (GRCh38, 1-based): chr4:121,813,987, A>G. VCF-style: chr4-121813987-A-G. GRCh37 (hg19) VCF-style: chr4-122735142-A-G.
Other names: c.1096A>G, p.Ile366Val (NM_001034194.2); short protein forms I366V.
Identifiers: ClinVar variation 1279041 (VCV001279041.12), dbSNP rs1803183, ClinGen allele CA3063624.
Genomic context (GRCh38, chr4:121,813,987, plus strand): 5'-TCCTGGGGTGATCTTGAAGACTCTGAGAAGGAAGATGATGAAGGCGGTGGTGATCAAGCT[A>G]TCATTCTTGATGGTATAAAAATGGACACTGGAGTAGAAGTCTCTGATATTGGAAGCCAAG-3'
Protein context (NP_005024.2, residues 356-376): EDDEGGGDQA[Ile366Val]ILDGIKMDTG

ClinVar aggregate classification (germline): Benign. Review status: criteria provided, multiple submitters, no conflicts (2 of 4 stars). 4 submissions from 4 submitters: Benign (3). 1 of the submissions does not count toward it. Last evaluated 2026-02-02.

Conditions:
EXOSC9-related disorder. Also called: EXOSC9-related condition.

Allele frequency attached by ClinVar (database versions not stated): gnomAD exomes 0.03422; gnomAD 0.08392 and 0.08928; 1000 Genomes Project 30x 0.08432; ExAC 0.03762; 1000 Genomes Project 0.08167; TOPMed 0.09516; ESP Exome Variant Server 0.09065.
gnomAD v4.1: 47,669 of 1,613,248 alleles (3%); highest among the groups gnomAD compares: African/African-American, 24%; 2,719 homozygotes.

Submissions (4):

Labcorp Genetics (formerly Invitae), Labcorp
Classification: Benign. Last evaluated: 2026-02-02. Review status: criteria provided, single submitter. Criteria: Invitae Variant Classification Sherloc (09022015). Collection method: clinical testing. Allele origin: germline.

GeneDx
Classification: Benign. Last evaluated: 2021-05-04. Review status: criteria provided, single submitter. Criteria: GeneDx Variant Classification Process June 2021. Collection method: clinical testing. Allele origin: germline. Affected: yes.

Breakthrough Genomics
Classification: Benign. Review status: criteria provided, single submitter. Criteria: ACMG Guidelines, 2015. Collection method: not provided. Allele origin: germline. Inheritance: Autosomal recessive inheritance. Affected: yes.

PreventionGenetics, part of Exact Sciences
Classification: Benign for EXOSC9-related condition. Last evaluated: 2019-11-06. Review status: no assertion criteria provided. Collection method: clinical testing. Allele origin: germline. Not counted in ClinVar's aggregate classification.
Comment: This variant is classified as benign based on ACMG/AMP sequence variant interpretation guidelines (Richards et al. 2015 PMID: 25741868, with internal and published modifications).